The following is an entry in ClinVar:

ClinVar aggregate classification (germline): Uncertain significance. Review status: criteria provided, multiple submitters, no conflicts (2 of 4 stars). 2 submissions from 2 submitters: Uncertain significance (2). Last evaluated 2026-06-08.

gnomAD v4.1: 5 of 1,586,822 alleles (0.00032%); highest among the groups gnomAD compares: Non-Finnish European, 0.00043%; no homozygotes.

Submissions (2):

Ambry Genetics
Classification: Uncertain significance. Last evaluated: 2026-06-08. Review status: criteria provided, single submitter. Criteria: Ambry Variant Classification Scheme 2023. Collection method: clinical testing. Allele origin: germline.
Comment: The p.N368T variant (also known as c.1103A>C), located in coding exon 10 of the GEN1 gene, results from an A to C substitution at nucleotide position 1103. The asparagine at codon 368 is replaced by threonine, an amino acid with similar properties. This amino acid position is conserved. In addition, this alteration is predicted to be tolerated by in silico analysis. Based on the available evidence, the clinical significance of this variant remains unclear.

Labcorp Genetics (formerly Invitae), Labcorp
Classification: Uncertain significance. Last evaluated: 2024-03-28. Review status: criteria provided, single submitter. Criteria: Invitae Variant Classification Sherloc (09022015). Collection method: clinical testing. Allele origin: germline.
Comment: This sequence change replaces asparagine, which is neutral and polar, with threonine, which is neutral and polar, at codon 368 of the GEN1 protein (p.Asn368Thr). This variant is not present in population databases (gnomAD no frequency). This variant has not been reported in the literature in individuals affected with GEN1-related conditions. An algorithm developed to predict the effect of missense changes on protein structure and function (PolyPhen-2) suggests that this variant is likely to be tolerated. In summary, the available evidence is currently insufficient to determine the role of this variant in disease. Therefore, it has been classified as a Variant of Uncertain Significance.

NM_001130009.3(GEN1):c.1103A>C (p.Asn368Thr)

Gene: GEN1 (GEN1 structure-specific endonuclease; plus strand). Cytogenetic location: 2p24.2.
Variant type: single nucleotide variant.
Coding change: c.1103A>C on transcript NM_001130009.3 (MANE Select); coding-DNA position 1103, A replaced by C.
Protein change: p.Asn368Thr; replaces asparagine 368 with threonine.
Molecular consequence: missense variant.
Genome position (GRCh38, 1-based): chr2:17,774,302, A>C. VCF-style: chr2-17774302-A-C. GRCh37 (hg19) VCF-style: chr2-17955569-A-C.
Other names: c.1103A>C (NM_001130009.1); c.1103A>C, p.Asn368Thr (NM_182625.5); short protein forms N368T.
Identifiers: ClinVar variation 3691714 (VCV003691714.3).
Genomic context (GRCh38, chr2:17,774,302, plus strand): 5'-ATCTTGTTTTATTTTTATTATATTTATAGAGATTTACTCTTGAAAAAATGGAGTGGCCCA[A>C]TCACTATGCATGTGAGAAATTGCTGGTACTTTTGACCCATTATGACATGATAGAAAGAAA-3'
Protein context (NP_001123481.3, residues 358-378): RFTLEKMEWP[Asn368Thr]HYACEKLLVL